The following is an entry in ClinVar:

ClinVar aggregate classification (germline): Pathogenic (1 of 4 stars; one submission).

Submission:

Labcorp Genetics (formerly Invitae), Labcorp
Classification: Pathogenic. Last evaluated: 2023-08-14. Review status: criteria provided, single submitter. Criteria: Invitae Variant Classification Sherloc (09022015). Collection method: clinical testing. Allele origin: germline.
Comment: This variant disrupts a region of the NYX protein in which other variant(s) (p.Trp350*) have been determined to be pathogenic (PMID: 11062471). This suggests that this is a clinically significant region of the protein, and that variants that disrupt it are likely to be disease-causing. For these reasons, this variant has been classified as Pathogenic. This premature translational stop signal has been observed in individual(s) with clinical features of NYX-related conditions (PMID: 30029497, 33090715). This variant is not present in population databases (gnomAD no frequency). This sequence change creates a premature translational stop signal (p.Trp346*) in the NYX gene. While this is not anticipated to result in nonsense mediated decay, it is expected to disrupt the last 136 amino acid(s) of the NYX protein.

Literature cited by the submitters: PubMed 11062471; PubMed 30029497; PubMed 33090715.

NM_001378477.3(NYX):c.1023G>A (p.Trp341Ter)

Gene: NYX (nyctalopin; plus strand). Cytogenetic location: Xp11.4.
Variant type: single nucleotide variant.
Coding change: c.1023G>A on transcript NM_001378477.3 (MANE Select); coding-DNA position 1023, G replaced by A.
Protein change: p.Trp341Ter; replaces tryptophan 341 with a stop codon.
Molecular consequence: nonsense.
Genome position (GRCh38, 1-based): chrX:41,474,491, G>A. VCF-style: chrX-41474491-G-A. GRCh37 (hg19) VCF-style: chrX-41333744-G-A.
Other names: c.1023G>A, p.Trp341Ter (NM_022567.3); short protein forms W341*.
Identifiers: ClinVar variation 2834595 (VCV002834595.3), dbSNP rs2519608553, ClinGen allele CA412992144.